The following is an entry in ClinVar:

ClinVar aggregate classification (germline): Uncertain significance (1 of 4 stars; one submission).

Submission:

Labcorp Genetics (formerly Invitae), Labcorp
Classification: Uncertain significance. Last evaluated: 2024-06-13. Review status: criteria provided, single submitter. Criteria: Invitae Variant Classification Sherloc (09022015). Collection method: clinical testing. Allele origin: germline.
Comment: This sequence change replaces serine, which is neutral and polar, with asparagine, which is neutral and polar, at codon 115 of the ADCY5 protein (p.Ser115Asn). The frequency data for this variant in the population databases is considered unreliable, as metrics indicate insufficient coverage at this position in the gnomAD database. This variant has not been reported in the literature in individuals affected with ADCY5-related conditions. Advanced modeling of protein sequence and biophysical properties (such as structural, functional, and spatial information, amino acid conservation, physicochemical variation, residue mobility, and thermodynamic stability) performed at Invitae indicates that this missense variant is not expected to disrupt ADCY5 protein function with a negative predictive value of 95%. In summary, the available evidence is currently insufficient to determine the role of this variant in disease. Therefore, it has been classified as a Variant of Uncertain Significance.

NM_183357.3(ADCY5):c.344G>A (p.Ser115Asn)

Gene: ADCY5 (adenylate cyclase 5; minus strand). Cytogenetic location: 3q21.1.
Variant type: single nucleotide variant.
Coding change: c.344G>A on transcript NM_183357.3 (MANE Select); coding-DNA position 344, G replaced by A.
Protein change: p.Ser115Asn; replaces serine 115 with asparagine.
Molecular consequence: missense variant.
Genome position (GRCh38, 1-based): chr3:123,448,202, C>T on the plus strand (G>A on the coding strand, the complement: ADCY5 is on the minus strand). VCF-style: chr3-123448202-C-T. GRCh37 (hg19) VCF-style: chr3-123167049-C-T.
Other names: c.344G>A, p.Ser115Asn (NM_001378259.1); short protein forms S115N.
Identifiers: ClinVar variation 3614838 (VCV003614838.2).
Genomic context (GRCh38, chr3:123,448,202, plus strand): 5'-CCGCCCGCAGGGGGCGCCCGGGTGCTGCCCCCGCTGGCCGCGCCCCGCCGCTGCCGGCGG[C>T]TGCCGCGACCGCAGTCGTCGCCGCCGCGCTCCTGCCAGGCGGACTTGGAGCGGAAGCTGA-3'
Protein context (NP_899200.1, residues 105-125): ERGGDDCGRG[Ser115Asn]RRQRRGAASG